The following is an entry in ClinVar:

ClinVar aggregate classification (germline): Likely pathogenic (1 of 4 stars; one submission).

Submission:

GeneDx
Classification: Likely pathogenic. Last evaluated: 2017-10-19. Review status: criteria provided, single submitter. Criteria: GeneDx Variant Classification (06012015). Collection method: clinical testing. Allele origin: germline. Affected: yes.
Comment: The L1459P variant has not been published as a pathogenic variant, nor has it been reported as a benign variant to our knowledge. The L1459P variant is not observed in large population cohorts (Lek et al., 2016). This variant is a semi-conservative amino acid substitution, which may impact secondary protein structure as these residues differ in some properties. This substitution occurs at a position that is conserved in mammals. In silico analysis is inconsistent in its predictions as to whether or not the variant is damaging to the protein structure/function.

NM_004606.5(TAF1):c.4316T>C (p.Leu1439Pro)

Gene: TAF1 (TATA-box binding protein associated factor 1; plus strand). Cytogenetic location: Xq13.1.
Variant type: single nucleotide variant.
Coding change: c.4316T>C on transcript NM_004606.5 (MANE Select); coding-DNA position 4316, T replaced by C.
Protein change: p.Leu1439Pro; replaces leucine 1439 with proline.
Molecular consequence: missense variant. On other transcripts: non-coding transcript variant (9).
Genome position (GRCh38, 1-based): chrX:71,408,083, T>C. VCF-style: chrX-71408083-T-C. GRCh37 (hg19) VCF-style: chrX-70627933-T-C.
Other names: c.4316T>C, p.Leu1439Pro (NM_001286074.2); c.4253T>C, p.Leu1418Pro (NM_138923.4); short protein forms L1418P, L1439P.
Identifiers: ClinVar variation 452882 (VCV000452882.2), dbSNP rs1555980614, ClinGen allele CA413538047.